The following is an entry in ClinVar:

ClinVar aggregate classification (germline): Likely benign. Review status: criteria provided, multiple submitters, no conflicts (2 of 4 stars). 4 submissions from 4 submitters: Likely benign (4). Last evaluated 2026-08-31.

Conditions:
BAP1-related disorder. Also called: BAP1-related condition.
BAP1-related tumor predisposition syndrome (TPDS1). Also called: COMMON Syndrome; Tumor susceptibility linked to germline BAP1 mutations; TUMOR PREDISPOSITION SYNDROME 1; BAP1 tumor predisposition syndrome. Identifiers: Orphanet 289539, MedGen C3280492, MONDO:0013692, OMIM 614327.
Hereditary cancer-predisposing syndrome. Also called: Tumor predisposition; Hereditary neoplastic syndrome; Hereditary Cancer Syndrome; Neoplastic Syndromes, Hereditary. Identifiers: Orphanet 140162, MedGen C0027672, MeSH D009386, MONDO:0015356.

Allele frequency attached by ClinVar (database versions not stated): TOPMed below 0.00001.

Submissions (4):

PreventionGenetics, part of Exact Sciences
Classification: Likely benign for BAP1-related condition. Last evaluated: 2026-08-31. Review status: criteria provided, single submitter. Criteria: ACMG Guidelines, 2015. Collection method: clinical testing. Allele origin: germline.
Comment: This variant is classified as likely benign based on ACMG/AMP sequence variant interpretation guidelines (Richards et al. 2015 PMID: 25741868, with internal and published modifications).

Labcorp Genetics (formerly Invitae), Labcorp
Classification: Likely benign for BAP1-related tumor predisposition syndrome. Last evaluated: 2024-12-03. Review status: criteria provided, single submitter. Criteria: Invitae Variant Classification Sherloc (09022015). Collection method: clinical testing. Allele origin: germline.

Color Diagnostics, LLC DBA Color Health
Classification: Likely benign for Hereditary cancer-predisposing syndrome. Last evaluated: 2024-01-28. Review status: criteria provided, single submitter. Criteria: ACMG Guidelines, 2015. Collection method: clinical testing. Allele origin: germline.

Ambry Genetics
Classification: Likely benign for Hereditary cancer-predisposing syndrome. Last evaluated: 2020-03-12. Review status: criteria provided, single submitter. Criteria: Ambry Variant Classification Scheme 2023. Collection method: clinical testing. Allele origin: germline.

NM_004656.4(BAP1):c.1920G>A (p.Glu640=)

Gene: BAP1 (BRCA1 associated deubiquitinase 1; minus strand). Cytogenetic location: 3p21.1.
Variant type: single nucleotide variant.
Coding change: c.1920G>A on transcript NM_004656.4 (MANE Select); coding-DNA position 1920, G replaced by A.
Protein change: p.Glu640=; no amino-acid change (glutamic acid 640 retained).
Molecular consequence: synonymous variant.
Genome position (GRCh38, 1-based): chr3:52,402,842, C>T on the plus strand (G>A on the coding strand, the complement: BAP1 is on the minus strand). VCF-style: chr3-52402842-C-T. GRCh37 (hg19) VCF-style: chr3-52436858-C-T.
Other names: c.1920G>A (NM_004656.3); c.1866G>A, p.Glu622= (NM_001410772.1).
Identifiers: ClinVar variation 1782676 (VCV001782676.9), dbSNP rs964783693, ClinGen allele CA74740106.